The following is an entry in ClinVar:

ClinVar aggregate classification (germline): Likely benign. Review status: criteria provided, multiple submitters, no conflicts (2 of 4 stars). 10 submissions from 10 submitters: Likely benign (8). 2 of the submissions do not count toward it. Last evaluated 2026-05-19.

Conditions:
Hereditary cancer-predisposing syndrome. Also called: Neoplastic Syndromes, Hereditary; Hereditary neoplastic syndrome; Hereditary Cancer Syndrome; Tumor predisposition. Identifiers: Orphanet 140162, MedGen C0027672, MeSH D009386, MONDO:0015356.
Hereditary breast ovarian cancer syndrome. Also called: Hereditary breast and/or ovarian cancer syndrome; Hereditary breast and ovarian cancer syndrome (HBOC); Breast and ovarian cancer; Hereditary breast and ovarian cancer syndrome; Hereditary breast and ovarian cancer; BRCA1- and BRCA2-Associated Hereditary Breast and Ovarian Cancer. Identifiers: Orphanet 145, MedGen C0677776, MeSH D061325, MONDO:0003582. Disease mechanism: loss of function.
Breast-ovarian cancer, familial, susceptibility to, 2 (BROVCA2). Also called: BRCA2 Hereditary Breast and Ovarian Cancer. Identifiers: Orphanet 145, MedGen C2675520, MONDO:0012933, OMIM 612555. Disease mechanism: loss of function.

Allele frequency attached by ClinVar (database versions not stated): gnomAD exomes 0.00006 and 0.00002; ExAC 0.00009; gnomAD 0.00001; TOPMed 0.00001.
gnomAD v4.1: 36 of 1,606,694 alleles (0.0022%); highest among the groups gnomAD compares: Non-Finnish European, 0.0022%; 1 homozygote.

Submissions (10):

Women's Health and Genetics/Laboratory Corporation of America, LabCorp
Classification: Likely benign. Last evaluated: 2026-05-19. Review status: criteria provided, single submitter. Criteria: LabCorp Variant Classification Summary - May 2015. Collection method: clinical testing. Allele origin: germline.
Comment: Variant summary: BRCA2 c.6943A>C (p.Ile2315Leu) results in a conservative amino acid change in the encoded protein sequence. Algorithms developed to predict the effect of missense changes on protein structure and function all suggest that this variant is likely to be tolerated. The variant allele was found at a frequency of 2.2e-05 in 1606794 control chromosomes in the gnomAD database, including 1 homozygote. c.6943A>C has been observed in individuals affected with BRCA2-related conditions as well as unaffected controls (e.g. Borg_2010, Juwle_2012, Dorling_2021). These reports do not provide unequivocal conclusions about association of the variant with disease. At least one publication reports experimental evidence evaluating an impact on protein function. These results showed no damaging effect of this variant (Sahu_2023). The following publications have been ascertained in the context of this evaluation (PMID: 20104584, 21520273, 10882858, 22752604, 26733283, 37713444, 33471991). ClinVar contains an entry for this variant (Variation ID: 52223). Based on the evidence outlined above, the variant was classified as likely benign.

Labcorp Genetics (formerly Invitae), Labcorp
Classification: Likely benign for Hereditary breast ovarian cancer syndrome. Last evaluated: 2025-11-11. Review status: criteria provided, single submitter. Criteria: Invitae Variant Classification Sherloc (09022015). Collection method: clinical testing. Allele origin: germline.

Center for Genomic Medicine, Rigshospitalet, Copenhagen University Hospital
Classification: Likely benign. Last evaluated: 2025-03-04. Review status: criteria provided, single submitter. Criteria: ACMG Guidelines, 2015. Collection method: clinical testing. Allele origin: germline.

Quest Diagnostics Nichols Institute San Juan Capistrano
Classification: Likely benign. Last evaluated: 2024-05-08. Review status: criteria provided, single submitter. Criteria: Quest Diagnostics criteria. Collection method: clinical testing. Allele origin: unknown.

Sema4
Classification: Likely benign for Hereditary cancer-predisposing syndrome. Last evaluated: 2021-10-22. Review status: criteria provided, single submitter. Criteria: Sema4 Curation Guidelines. Collection method: curation. Allele origin: germline.

GeneDx
Classification: Likely benign. Last evaluated: 2018-08-22. Review status: criteria provided, single submitter. Criteria: GeneDx Variant Classification Process June 2021. Collection method: clinical testing. Allele origin: germline. Affected: yes.
Comment: This variant is associated with the following publications: (PMID: 20104584, 10882858, 22752604, 26733283)

Ambry Genetics
Classification: Likely benign for Hereditary cancer-predisposing syndrome. Last evaluated: 2018-04-11. Review status: criteria provided, single submitter. Criteria: Ambry Variant Classification Scheme 2023. Collection method: clinical testing. Allele origin: germline.

Color Diagnostics, LLC DBA Color Health
Classification: Likely benign for Hereditary cancer-predisposing syndrome. Last evaluated: 2016-06-14. Review status: criteria provided, single submitter. Criteria: ACMG Guidelines, 2015. Collection method: clinical testing. Allele origin: germline.

BRCAlab, Lund University
Classification: Uncertain significance for Breast-ovarian cancer, familial, susceptibility to, 2. Last evaluated: 2020-03-02. Review status: no assertion criteria provided. Collection method: clinical testing. Allele origin: germline. Affected: yes. Not counted in ClinVar's aggregate classification.

Breast Cancer Information Core (BIC) (BRCA2)
Classification: Uncertain significance for Breast-ovarian cancer, familial 2. Last evaluated: 1999-04-12. Review status: no assertion criteria provided. Collection method: clinical testing. Allele origin: germline. Affected: yes. Observed: 2 variant alleles. Not counted in ClinVar's aggregate classification.

Literature cited by the submitters: PubMed 20104584 (cited by 4 submitters); PubMed 21520273 (cited by 3 submitters); PubMed 10882858 (cited by 4 submitters); PubMed 22752604 (cited by 3 submitters); PubMed 26733283 (cited by 3 submitters); PubMed 33471991 (cited by 3 submitters); PubMed 37713444 (cited by Women's Health and Genetics/Laboratory Corporation of America, LabCorp); PubMed 21638052 (cited by Ambry Genetics).

NM_000059.4(BRCA2):c.6943A>C (p.Ile2315Leu)

Gene: BRCA2 (BRCA2 DNA repair associated; plus strand). Cytogenetic location: 13q13.1.
Variant type: single nucleotide variant.
Coding change: c.6943A>C on transcript NM_000059.4 (MANE Select); coding-DNA position 6943, A replaced by C.
Protein change: p.Ile2315Leu; replaces isoleucine 2315 with leucine.
Molecular consequence: missense variant.
Genome position (GRCh38, 1-based): chr13:32,346,832, A>C. VCF-style: chr13-32346832-A-C. GRCh37 (hg19) VCF-style: chr13-32920969-A-C.
Other names: p.I2315L:ATA>CTA; short protein forms I2315L.
Identifiers: ClinVar variation 52223 (VCV000052223.24), dbSNP rs80358918, ClinGen allele CA024601.